The following is an entry in ClinVar:

ClinVar aggregate classification (germline): Uncertain significance (1 of 4 stars; one submission).

Conditions:
SEMA3F-related disorder. Also called: SEMA3F-related condition.

Allele frequency attached by ClinVar (database versions not stated): gnomAD 0.00002; TOPMed 0.00003; ExAC 0.00007; ESP Exome Variant Server 0.00008.
gnomAD v4.1: 15 of 1,614,012 alleles (0.00093%); highest among the groups gnomAD compares: Admixed American, 0.0083%; no homozygotes.

Submission:

PreventionGenetics, part of Exact Sciences
Classification: Uncertain significance for SEMA3F-related condition. Last evaluated: 2025-05-10. Review status: criteria provided, single submitter. Criteria: ACMG Guidelines, 2015. Collection method: clinical testing. Allele origin: germline.
Comment: The SEMA3F c.313G>A variant is predicted to result in the amino acid substitution p.Val105Met. To our knowledge, this variant has not been reported in the literature. This variant is reported in 0.018% of alleles in individuals of European (Finnish) descent in gnomAD. At this time, the clinical significance of this variant is uncertain due to the absence of conclusive functional and genetic evidence.

NM_004186.5(SEMA3F):c.313G>A (p.Val105Met)

Gene: SEMA3F (semaphorin 3F; plus strand). Cytogenetic location: 3p21.31.
Variant type: single nucleotide variant.
Coding change: c.313G>A on transcript NM_004186.5 (MANE Select); coding-DNA position 313, G replaced by A.
Protein change: p.Val105Met; replaces valine 105 with methionine.
Molecular consequence: missense variant.
Genome position (GRCh38, 1-based): chr3:50,174,091, G>A. VCF-style: chr3-50174091-G-A. GRCh37 (hg19) VCF-style: chr3-50211524-G-A.
Other names: c.109G>A, p.Val37Met (NM_001318798.2); c.313G>A, p.Val105Met (NM_001318800.2); short protein forms V105M, V37M.
Identifiers: ClinVar variation 2628965 (VCV002628965.2), dbSNP rs146858928, ClinGen allele CA2411713.
Genomic context (GRCh38, chr3:50,174,091, plus strand): 5'-TTCTGACCCCCCTCTCTGCAGATACACTGGGCAGCCTCCCCACAGCGCATCGAGGAATGC[G>A]TGCTCTCAGGCAAGGATGTCAACGTGAGTTTGGTGGGATCCACAGGTGGGAAGGGGGAAT-3'
Protein context (NP_004177.3, residues 95-115): AASPQRIEEC[Val105Met]LSGKDVNGEC